The following is an entry in ClinVar:

NM_005633.4(SOS1):c.1858+6A>G

Gene: SOS1 (SOS Ras/Rac guanine nucleotide exchange factor 1; minus strand). Cytogenetic location: 2p22.1.
Variant type: single nucleotide variant.
Coding change: c.1858+6A>G on transcript NM_005633.4 (MANE Select); 6 bases into the intron after coding-DNA position 1858, A replaced by G.
Molecular consequence: intron variant.
Genome position (GRCh38, 1-based): chr2:39,022,564, T>C on the plus strand (A>G on the coding strand, the complement: SOS1 is on the minus strand). VCF-style: chr2-39022564-T-C. GRCh37 (hg19) VCF-style: chr2-39249705-T-C.
Other names: c.1837+6A>G (NM_001382394.1); c.1858+6A>G (NM_001382395.1).
Identifiers: ClinVar variation 3726763 (VCV003726763.2).

ClinVar aggregate classification (germline): Uncertain significance (1 of 4 stars; one submission).

Conditions:
RASopathy. Also called: rasopathies; Noonan spectrum disorder. Identifiers: Orphanet 536391, MedGen C5555857, MONDO:0021060.

gnomAD v4.1: 4 of 1,609,778 alleles (0.00025%); highest among the groups gnomAD compares: Non-Finnish European, 0.00017%; no homozygotes.

Submission:

Labcorp Genetics (formerly Invitae), Labcorp
Classification: Uncertain significance for RASopathy. Last evaluated: 2024-12-07. Review status: criteria provided, single submitter. Criteria: Invitae Variant Classification Sherloc (09022015). Collection method: clinical testing. Allele origin: germline.
Comment: This sequence change falls in intron 10 of the SOS1 gene. It does not directly change the encoded amino acid sequence of the SOS1 protein. It affects a nucleotide within the consensus splice site. This variant is not present in population databases (gnomAD no frequency). This variant has not been reported in the literature in individuals affected with SOS1-related conditions. Variants that disrupt the consensus splice site are a relatively common cause of aberrant splicing (PMID: 17576681, 9536098). Algorithms developed to predict the effect of sequence changes on RNA splicing suggest that this variant is not likely to affect RNA splicing. In summary, the available evidence is currently insufficient to determine the role of this variant in disease. Therefore, it has been classified as a Variant of Uncertain Significance.

Literature cited by the submitters: PubMed 17576681; PubMed 9536098.